The following is an entry in ClinVar:

ClinVar aggregate classification (germline): Uncertain significance (1 of 4 stars; one submission).

Conditions:
Developmental and epileptic encephalopathy, 11 (DEE11). Also called: Early infantile epileptic encephalopathy 11. Identifiers: Orphanet 1934, MedGen C3150987, MONDO:0013388, OMIM 613721.
Seizures, benign familial infantile, 3 (BFIS3). Also called: CONVULSIONS, BENIGN FAMILIAL INFANTILE, 3; Familial neonatal seizures. Identifiers: Orphanet 140927, Orphanet 306, MedGen C1843140, MONDO:0011904, OMIM 607745.

Submission:

Labcorp Genetics (formerly Invitae), Labcorp
Classification: Uncertain significance for Seizures, benign familial infantile, 3; Developmental and epileptic encephalopathy, 11. Last evaluated: 2024-03-06. Review status: criteria provided, single submitter. Criteria: Invitae Variant Classification Sherloc (09022015). Collection method: clinical testing. Allele origin: germline.
Comment: This sequence change replaces alanine, which is neutral and non-polar, with proline, which is neutral and non-polar, at codon 439 of the SCN2A protein (p.Ala439Pro). This variant is not present in population databases (gnomAD no frequency). This variant has not been reported in the literature in individuals affected with SCN2A-related conditions. Advanced modeling of protein sequence and biophysical properties (such as structural, functional, and spatial information, amino acid conservation, physicochemical variation, residue mobility, and thermodynamic stability) performed at Invitae indicates that this missense variant is expected to disrupt SCN2A protein function with a positive predictive value of 95%. In summary, the available evidence is currently insufficient to determine the role of this variant in disease. Therefore, it has been classified as a Variant of Uncertain Significance.

NM_001040142.2(SCN2A):c.1315G>C (p.Ala439Pro)

Gene: SCN2A (sodium voltage-gated channel alpha subunit 2; plus strand). Cytogenetic location: 2q24.3.
Variant type: single nucleotide variant.
Coding change: c.1315G>C on transcript NM_001040142.2 (MANE Select); coding-DNA position 1315, G replaced by C.
Protein change: p.Ala439Pro; replaces alanine 439 with proline.
Molecular consequence: missense variant.
Genome position (GRCh38, 1-based): chr2:165,314,040, G>C. VCF-style: chr2-165314040-G-C. GRCh37 (hg19) VCF-style: chr2-166170550-G-C.
Other names: c.1315G>C, p.Ala439Pro (NM_001040143.2, NM_001371246.1, NM_001371247.1 and 1 more transcripts); short protein forms A439P.
Identifiers: ClinVar variation 3753656 (VCV003753656.2).